The following is an entry in ClinVar:

NM_000466.3(PEX1):c.296A>T (p.His99Leu)

Gene: PEX1 (peroxisomal biogenesis factor 1; minus strand). Cytogenetic location: 7q21.2.
Variant type: single nucleotide variant.
Coding change: c.296A>T on transcript NM_000466.3 (MANE Select); coding-DNA position 296, A replaced by T.
Protein change: p.His99Leu; replaces histidine 99 with leucine.
Molecular consequence: missense variant. On other transcripts: 5 prime UTR variant (1).
Genome position (GRCh38, 1-based): chr7:92,519,056, T>A on the plus strand (A>T on the coding strand, the complement: PEX1 is on the minus strand). VCF-style: chr7-92519056-T-A. GRCh37 (hg19) VCF-style: chr7-92148370-T-A.
Other names: c.296A>T, p.His99Leu (NM_001282677.2); c.-364A>T (NM_001282678.2); short protein forms H99L.
Identifiers: ClinVar variation 1400375 (VCV001400375.8), dbSNP rs1562868002, ClinGen allele CA368203222.
Genomic context (GRCh38, chr7:92,519,056, plus strand): 5'-AGTATCTCCCAATCATCTGCTGAGAGGGGTTCCACCTCAACTTGTTGACAAGATACCACA[T>A]GGGAACATGGCTTGAGAAATACCTAGAAAAAATTAAAAATTTAAAACTACTTTAAAAAAA-3'
Protein context (NP_000457.1, residues 89-109): GGQVFLKPCS[His99Leu]VVSCQQVEVE

ClinVar aggregate classification (germline): Uncertain significance. Review status: criteria provided, multiple submitters, no conflicts (2 of 4 stars). 2 submissions from 2 submitters: Uncertain significance (2). Last evaluated 2023-11-27.

Conditions:
Zellweger spectrum disorders (ZS). Also called: Zellweger syndrome; Zellweger Spectrum Disorder; Zellweger Spectrum; Zellweger Spectrum Disorder (ZSD). Identifiers: Orphanet 912, MedGen C0043459, MONDO:0019609.

Allele frequency attached by ClinVar (database versions not stated): gnomAD exomes below 0.00001.
gnomAD v4.1: 3 of 1,607,854 alleles (0.00019%); highest among the groups gnomAD compares: Non-Finnish European, 0.00026%; no homozygotes.

Submissions (2):

Labcorp Genetics (formerly Invitae), Labcorp
Classification: Uncertain significance for Zellweger spectrum disorders. Last evaluated: 2023-11-27. Review status: criteria provided, single submitter. Criteria: Invitae Variant Classification Sherloc (09022015). Collection method: clinical testing. Allele origin: germline.
Comment: This sequence change replaces histidine, which is basic and polar, with leucine, which is neutral and non-polar, at codon 99 of the PEX1 protein (p.His99Leu). This variant is not present in population databases (gnomAD no frequency). This variant has not been reported in the literature in individuals affected with PEX1-related conditions. ClinVar contains an entry for this variant (Variation ID: 1400375). Advanced modeling of protein sequence and biophysical properties (such as structural, functional, and spatial information, amino acid conservation, physicochemical variation, residue mobility, and thermodynamic stability) performed at Invitae indicates that this missense variant is not expected to disrupt PEX1 protein function with a negative predictive value of 80%. In summary, the available evidence is currently insufficient to determine the role of this variant in disease. Therefore, it has been classified as a Variant of Uncertain Significance.

Blueprint Genetics
Classification: Uncertain significance. Last evaluated: 2021-05-06. Review status: criteria provided, single submitter. Criteria: ACMG Guidelines, 2015. Collection method: clinical testing. Allele origin: germline.